The following is an entry in ClinVar:

NM_004522.3(KIF5C):c.1373C>T (p.Ser458Phe)

Gene: KIF5C (kinesin family member 5C; plus strand). Cytogenetic location: 2q23.1.
Variant type: single nucleotide variant.
Coding change: c.1373C>T on transcript NM_004522.3 (MANE Select); coding-DNA position 1373, C replaced by T.
Protein change: p.Ser458Phe; replaces serine 458 with phenylalanine.
Molecular consequence: missense variant. On other transcripts: non-coding transcript variant (1).
Genome position (GRCh38, 1-based): chr2:148,981,365, C>T. VCF-style: chr2-148981365-C-T. GRCh37 (hg19) VCF-style: chr2-149837879-C-T.
Other names: short protein forms S458F.
Identifiers: ClinVar variation 3629500 (VCV003629500.2).
Genomic context (GRCh38, chr2:148,981,365, plus strand): 5'-AAACATTTGAACATTAGATTCACAAGTTCCATGCCATCTCATTTCCCCAGCTTTTAGCTT[C>T]CACAAGAAGAGACTATGAGAAGATACAGGAGGAGCTGACACGTCTCCAGATTGAAAATGA-3'
Protein context (NP_004513.1, residues 448-468): QMLDQDELLA[Ser458Phe]TRRDYEKIQE

ClinVar aggregate classification (germline): Uncertain significance (1 of 4 stars; one submission).

gnomAD v4.1: 4 of 1,608,428 alleles (0.00025%); highest among the groups gnomAD compares: South Asian, 0.0022%; no homozygotes.

Submission:

Women's Health and Genetics/Laboratory Corporation of America, LabCorp
Classification: Uncertain significance. Last evaluated: 2024-11-27. Review status: criteria provided, single submitter. Criteria: LabCorp Variant Classification Summary - May 2015. Collection method: clinical testing. Allele origin: germline.
Comment: Variant summary: KIF5C c.1373C>T (p.Ser458Phe) results in a non-conservative amino acid change in the encoded protein sequence. Five of five in-silico tools predict a damaging effect of the variant on protein function. The variant allele was found at a frequency of 8.3e-06 in 240852 control chromosomes. The available data on variant occurrences in the general population are insufficient to allow any conclusion about variant significance. To our knowledge, no occurrence of c.1373C>T in individuals affected with Complex Cortical Dysplasia With Other Brain Malformations 2 and no experimental evidence demonstrating its impact on protein function have been reported. No submitters have cited clinical-significance assessments for this variant to ClinVar. Based on the evidence outlined above, the variant was classified as uncertain significance.